The following is an entry in ClinVar:

ClinVar aggregate classification (germline): Uncertain significance (1 of 4 stars; one submission).

Conditions:
Catecholaminergic polymorphic ventricular tachycardia (CVPT). Also called: Catecholamine-induced polymorphic ventricular tachycardia. Identifiers: Orphanet 3286, MedGen C5574922, MONDO:0017990.

Allele frequency attached by ClinVar (database versions not stated): gnomAD exomes below 0.00001.
gnomAD v4.1: 1 of 1,613,884 alleles (0.000062%); highest among the groups gnomAD compares: Non-Finnish European, 0.000085%; no homozygotes.

Submission:

All of Us Research Program, National Institutes of Health
Classification: Uncertain significance for Catecholaminergic polymorphic ventricular tachycardia. Last evaluated: 2023-11-30. Review status: criteria provided, single submitter. Criteria: ACMG Guidelines, 2015. Collection method: clinical testing. Allele origin: germline. Inheritance: Autosomal dominant inheritance. Observed: 1 variant allele, 1 heterozygote.
Comment: This study involves interpretation of variants in research participants for the purpose of population health screening. Participant phenotype was not available at the time of variant classification. Additional details can be found in publication PMID: 35346344, PMCID: PMC8962531

NM_001035.3(RYR2):c.2555G>A (p.Gly852Asp)

Gene: RYR2 (ryanodine receptor 2; plus strand). Cytogenetic location: 1q43.
Variant type: single nucleotide variant.
Coding change: c.2555G>A on transcript NM_001035.3 (MANE Select); coding-DNA position 2555, G replaced by A.
Protein change: p.Gly852Asp; replaces glycine 852 with aspartic acid.
Molecular consequence: missense variant.
Genome position (GRCh38, 1-based): chr1:237,503,447, G>A. VCF-style: chr1-237503447-G-A. GRCh37 (hg19) VCF-style: chr1-237666747-G-A.
Other names: short protein forms G852D.
Identifiers: ClinVar variation 3073895 (VCV003073895.1), dbSNP rs2545891671, ClinGen allele CA069881.
Genomic context (GRCh38, chr1:237,503,447, plus strand): 5'-TGAAAGTGGAACACAGCCGAGAGTACAAGCAAGAAAGAACTTACACACGCGACCTGCTGG[G>A]CCCCACAGTTTCCCTGACGCAAGCTGCCTTCACACCCATCCCTGTGGATACCAGCCAGGT-3'
Protein context (NP_001026.2, residues 842-862): QERTYTRDLL[Gly852Asp]PTVSLTQAAF